The following is an entry in ClinVar:

ClinVar aggregate classification (germline): Uncertain significance (1 of 4 stars; one submission).

Conditions:
Mucopolysaccharidosis, MPS-IV-A (MPS4A). Also called: Mucopolysaccharidosis type IV A; Mucopolysaccharidosis Type IVA; Morquio syndrome A, mild; MORQUIO SYNDROME A; MPS IVA; mucopolysaccharidosis type 4A. Identifiers: Orphanet 309297, Orphanet 582, MedGen C0086651, MONDO:0009659, OMIM 253000.

Submission:

Laboratory of Diagnosis and Therapy of Lysosomal Disorders, University of Padova
Classification: Uncertain significance for Mucopolysaccharidosis, MPS-IV-A. Last evaluated: 2021-02-01. Review status: criteria provided, single submitter. Criteria: ACMG Guidelines, 2015. Collection method: research. Allele origin: germline. Affected: yes.
Comment: In vivo functional studies supportive of a damaging effect on the gene product (low to null enzymatic activity in homozygotes; PS3_supporting); absent from gnomAD v2.1.1 (PM2_moderate); multiple lines of computational evidence support a deleterious effect on the gene (PP3_supporting)

Literature cited by the submitters: PubMed 34387910.

NM_000512.5(GALNS):c.239C>G (p.Ser80Trp)

Gene: GALNS (galactosamine (N-acetyl)-6-sulfatase; minus strand). Cytogenetic location: 16q24.3.
Variant type: single nucleotide variant.
Coding change: c.239C>G on transcript NM_000512.5 (MANE Select); coding-DNA position 239, C replaced by G.
Protein change: p.Ser80Trp; replaces serine 80 with tryptophan.
Molecular consequence: missense variant. On other transcripts: intron variant (1).
Genome position (GRCh38, 1-based): chr16:88,842,711, G>C on the plus strand (C>G on the coding strand, the complement: GALNS is on the minus strand). VCF-style: chr16-88842711-G-C. GRCh37 (hg19) VCF-style: chr16-88909119-G-C.
Other names: c.257C>G, p.Ser86Trp (NM_001323544.2); c.-311-740C>G (NM_001323543.2); short protein forms S80W, S86W.
Identifiers: ClinVar variation 1048389 (VCV001048389.3), dbSNP rs1209154325, ClinGen allele CA397091150.
Genomic context (GRCh38, chr16:88,842,711, plus strand): 5'-GGCCTCGGCCTGTTGGGCTCACCCCTTCCTGGGGGCGAGGGCCCCGCTGACTTACATGGC[G>C]AGCACAGAGGGTTGGCAGAATAGAAGTTTGGGAAAAGCAGCCCTTCTGCAGCCATCCGGT-3'
Protein context (NP_000503.1, residues 70-90): PNFYSANPLC[Ser80Trp]PSRAALLTGR